The following is an entry in ClinVar:

ClinVar aggregate classification (germline): Uncertain significance (1 of 4 stars; one submission).

Conditions:
Hereditary cancer-predisposing syndrome. Also called: Neoplastic Syndromes, Hereditary; Tumor predisposition; Hereditary neoplastic syndrome; Hereditary Cancer Syndrome. Identifiers: Orphanet 140162, MedGen C0027672, MeSH D009386, MONDO:0015356.

Allele frequency attached by ClinVar (database versions not stated): gnomAD exomes below 0.00001; TOPMed below 0.00001.
gnomAD v4.1: 1 of 1,613,198 alleles (0.000062%); highest among the groups gnomAD compares: African/African-American, 0.0013%; no homozygotes.

Submission:

Ambry Genetics
Classification: Uncertain significance for Hereditary cancer-predisposing syndrome. Last evaluated: 2025-05-10. Review status: criteria provided, single submitter. Criteria: Ambry Variant Classification Scheme 2023. Collection method: clinical testing. Allele origin: germline.
Comment: The p.M270I variant (also known as c.810G>A), located in coding exon 8 of the SDHB gene, results from a G to A substitution at nucleotide position 810. The methionine at codon 270 is replaced by isoleucine, an amino acid with highly similar properties. This amino acid position is highly conserved in available vertebrate species. In addition, this alteration is predicted to be deleterious by in silico analysis. Since supporting evidence is limited at this time, the clinical significance of this alteration remains unclear.

NM_003000.3(SDHB):c.810G>A (p.Met270Ile)

Gene: SDHB (succinate dehydrogenase complex iron sulfur subunit B; minus strand). Cytogenetic location: 1p36.13.
Variant type: single nucleotide variant.
Coding change: c.810G>A on transcript NM_003000.3 (MANE Select); coding-DNA position 810, G replaced by A.
Protein change: p.Met270Ile; replaces methionine 270 with isoleucine.
Molecular consequence: missense variant.
Genome position (GRCh38, 1-based): chr1:17,018,914, C>T on the plus strand (G>A on the coding strand, the complement: SDHB is on the minus strand). VCF-style: chr1-17018914-C-T. GRCh37 (hg19) VCF-style: chr1-17345409-C-T.
Other names: short protein forms M270I.
Identifiers: ClinVar variation 827459 (VCV000827459.5), dbSNP rs1570942595, ClinGen allele CA338268846.